The following is an entry in ClinVar:

ClinVar aggregate classification (germline): Conflicting classifications of pathogenicity. Review status: criteria provided, conflicting classifications (1 of 4 stars). 2 submissions from 2 submitters: Uncertain significance (1); Likely benign (1). Last evaluated 2025-12-01.

Allele frequency attached by ClinVar (database versions not stated): gnomAD exomes below 0.00001 and 0.00002; gnomAD 0.00001; TOPMed 0.00001.
gnomAD v4.1: 39 of 1,611,662 alleles (0.0024%); highest among the groups gnomAD compares: Admixed American, 0.0033%; no homozygotes.

Submissions (2):

Labcorp Genetics (formerly Invitae), Labcorp
Classification: Likely benign. Last evaluated: 2025-12-01. Review status: criteria provided, single submitter. Criteria: Invitae Variant Classification Sherloc (09022015). Collection method: clinical testing. Allele origin: germline.

GeneDx
Classification: Uncertain significance. Last evaluated: 2024-07-17. Review status: criteria provided, single submitter. Criteria: GeneDx Variant Classification Process June 2021. Collection method: clinical testing. Allele origin: germline. Affected: yes.
Comment: Has not been previously published as pathogenic or benign to our knowledge; Not observed at significant frequency in large population cohorts (gnomAD); In silico analysis supports that this missense variant has a deleterious effect on protein structure/function

NM_080680.3(COL11A2):c.4558C>T (p.Arg1520Cys)

Gene: COL11A2 (collagen type XI alpha 2 chain; minus strand). Cytogenetic location: 6p21.32.
Variant type: single nucleotide variant.
Coding change: c.4558C>T on transcript NM_080680.3 (MANE Select); coding-DNA position 4558, C replaced by T.
Protein change: p.Arg1520Cys; replaces arginine 1520 with cysteine.
Molecular consequence: missense variant.
Genome position (GRCh38, 1-based): chr6:33,165,741, G>A on the plus strand (C>T on the coding strand, the complement: COL11A2 is on the minus strand). VCF-style: chr6-33165741-G-A. GRCh37 (hg19) VCF-style: chr6-33133518-G-A.
Other names: c.4558C>T (NM_080680.2); c.4237C>T, p.Arg1413Cys (NM_080679.3); c.4300C>T, p.Arg1434Cys (NM_080681.3); short protein forms R1413C, R1434C, R1520C.
Identifiers: ClinVar variation 1005250 (VCV001005250.10), dbSNP rs934714603, ClinGen allele CA137062099.